The following is an entry in ClinVar:

ClinVar aggregate classification (germline): Uncertain significance (1 of 4 stars; one submission).

Conditions:
Inborn genetic diseases. Identifiers: MedGen C0950123, MeSH D030342.

Submission:

Ambry Genetics
Classification: Uncertain significance for Inborn genetic diseases. Last evaluated: 2023-06-27. Review status: criteria provided, single submitter. Criteria: Ambry Variant Classification Scheme 2023. Collection method: clinical testing. Allele origin: germline.
Comment: The c.1139A>T (p.Q380L) alteration is located in exon 9 (coding exon 8) of the FOXP2 gene. This alteration results from an A to T substitution at nucleotide position 1139, causing the glutamine (Q) at amino acid position 380 to be replaced by a leucine (L). This variant was not reported in population-based cohorts in the Genome Aggregation Database (gnomAD). This amino acid position is highly conserved in available vertebrate species. The in silico prediction for this alteration is inconclusive. Based on insufficient or conflicting evidence, the clinical significance of this alteration remains unclear.

NM_014491.4(FOXP2):c.1139A>T (p.Gln380Leu)

Gene: FOXP2 (forkhead box P2; plus strand). Cytogenetic location: 7q31.1.
Variant type: single nucleotide variant.
Coding change: c.1139A>T on transcript NM_014491.4 (MANE Select); coding-DNA position 1139, A replaced by T.
Protein change: p.Gln380Leu; replaces glutamine 380 with leucine.
Molecular consequence: missense variant. On other transcripts: non-coding transcript variant (2).
Genome position (GRCh38, 1-based): chr7:114,652,247, A>T. VCF-style: chr7-114652247-A-T. GRCh37 (hg19) VCF-style: chr7-114292302-A-T.
Other names: c.1136A>T, p.Gln379Leu (NM_001172766.3); c.1214A>T, p.Gln405Leu (NM_001172767.2, NM_148898.4); c.-211A>T (NM_001172777.1); c.1139A>T, p.Gln380Leu (NM_148899.3); c.1190A>T, p.Gln397Leu (NM_148900.4); short protein forms Q379L, Q397L, Q380L, Q405L.
Identifiers: ClinVar variation 2549663 (VCV002549663.3), dbSNP rs2485442501, ClinGen allele CA368964249.